The following is an entry in ClinVar:

ClinVar aggregate classification (germline): Uncertain significance (1 of 4 stars; one submission).

Allele frequency attached by ClinVar (database versions not stated): gnomAD exomes below 0.00001 and 0.00001; ExAC 0.00001; gnomAD 0.00002.
gnomAD v4.1: 21 of 1,600,790 alleles (0.0013%); highest among the groups gnomAD compares: Admixed American, 0.0084%; no homozygotes.

Submission:

Labcorp Genetics (formerly Invitae), Labcorp
Classification: Uncertain significance. Last evaluated: 2022-08-16. Review status: criteria provided, single submitter. Criteria: Invitae Variant Classification Sherloc (09022015). Collection method: clinical testing. Allele origin: germline.
Comment: This sequence change replaces glutamine, which is neutral and polar, with arginine, which is basic and polar, at codon 2156 of the CAD protein (p.Gln2156Arg). This variant is present in population databases (rs764045680, gnomAD 0.003%). This variant has not been reported in the literature in individuals affected with CAD-related conditions. ClinVar contains an entry for this variant (Variation ID: 1427422). Algorithms developed to predict the effect of missense changes on protein structure and function are either unavailable or do not agree on the potential impact of this missense change (SIFT: "Deleterious"; PolyPhen-2: "Benign"; Align-GVGD: "Class C0"). In summary, the available evidence is currently insufficient to determine the role of this variant in disease. Therefore, it has been classified as a Variant of Uncertain Significance.

NM_004341.5(CAD):c.6467A>G (p.Gln2156Arg)

Genes: CAD (carbamoyl-phosphate synthetase 2, aspartate transcarbamylase, and dihydroorotase; plus strand), LOC126806172 (CDK7 strongly-dependent group 2 enhancer GRCh37_chr2:27465505-27466704; plus strand). Cytogenetic location: 2p23.3.
Variant type: single nucleotide variant.
Coding change: c.6467A>G on transcript NM_004341.5 (MANE Select); coding-DNA position 6467, A replaced by G.
Protein change: p.Gln2156Arg; replaces glutamine 2156 with arginine.
Molecular consequence: missense variant.
Genome position (GRCh38, 1-based): chr2:27,242,960, A>G. VCF-style: chr2-27242960-A-G. GRCh37 (hg19) VCF-style: chr2-27465828-A-G.
Other names: c.6278A>G, p.Gln2093Arg (NM_001306079.2); short protein forms Q2156R, Q2093R.
Identifiers: ClinVar variation 1427422 (VCV001427422.3), dbSNP rs764045680, ClinGen allele CA1574213.